The following is an entry in ClinVar:

ClinVar aggregate classification (germline): Benign/Likely benign. Review status: criteria provided, multiple submitters, no conflicts (2 of 4 stars). 5 submissions from 5 submitters: Benign (2); Likely benign (2). 1 of the submissions does not count toward it. Last evaluated 2025-11-01.

Conditions:
CACNA1C-related disorder. Also called: CACNA1C-related condition; CACNA1C-related disorders. Identifiers: MedGen CN381092, MONDO:0700321.
Cardiovascular phenotype. Identifiers: MedGen CN230736.
Long QT syndrome (LQTS). Identifiers: MedGen C0023976, MeSH D008133, MONDO:0002442. Disease mechanism: loss of function. Inheritance: Various modes of inheritance.

Allele frequency attached by ClinVar (database versions not stated): TOPMed 0.00008; 1000 Genomes Project 0.00060; 1000 Genomes Project 30x 0.00062.
gnomAD v4.1: 91 of 1,596,094 alleles (0.0057%); highest among the groups gnomAD compares: East Asian, 0.12%; no homozygotes.

Submissions (5):

CeGaT Center for Human Genetics Tuebingen
Classification: Likely benign. Last evaluated: 2025-11-01. Review status: criteria provided, single submitter. Criteria: CeGaT Center For Human Genetics Tuebingen Variant Classification Criteria Version 2. Collection method: clinical testing. Allele origin: germline. Affected: yes. Observed: 1 variant allele.
Comment: CACNA1C: BP4, BP7

Labcorp Genetics (formerly Invitae), Labcorp
Classification: Benign for Long QT syndrome. Last evaluated: 2025-10-17. Review status: criteria provided, single submitter. Criteria: Invitae Variant Classification Sherloc (09022015). Collection method: clinical testing. Allele origin: germline.

Ambry Genetics
Classification: Likely benign for Cardiovascular phenotype. Last evaluated: 2016-07-08. Review status: criteria provided, single submitter. Criteria: Ambry Variant Classification Scheme 2023. Collection method: clinical testing. Allele origin: germline.

GeneDx
Classification: Benign. Last evaluated: 2015-03-03. Review status: criteria provided, single submitter. Criteria: GeneDx Variant Classification Process June 2021. Collection method: clinical testing. Allele origin: germline. Affected: yes.

PreventionGenetics, part of Exact Sciences
Classification: Likely benign for CACNA1C-related condition. Last evaluated: 2019-12-18. Review status: no assertion criteria provided. Collection method: clinical testing. Allele origin: germline. Not counted in ClinVar's aggregate classification.
Comment: This variant is classified as likely benign based on ACMG/AMP sequence variant interpretation guidelines (Richards et al. 2015 PMID: 25741868, with internal and published modifications).

NM_000719.7(CACNA1C):c.1557C>A (p.Ala519=)

Gene: CACNA1C (calcium voltage-gated channel subunit alpha1 C; plus strand). Cytogenetic location: 12p13.33.
Variant type: single nucleotide variant.
Coding change: c.1557C>A on transcript NM_000719.7 (MANE Select); coding-DNA position 1557, C replaced by A.
Protein change: p.Ala519=; no amino-acid change (alanine 519 retained).
Molecular consequence: synonymous variant.
Genome position (GRCh38, 1-based): chr12:2,566,470, C>A. VCF-style: chr12-2566470-C-A. GRCh37 (hg19) VCF-style: chr12-2675636-C-A.
Other names: c.1557C>A, p.Ala519= (NM_001129827.2, NM_001129829.2, NM_001129830.3 and 18 more transcripts); c.1548C>A, p.Ala516= (NM_001129844.2).
Identifiers: ClinVar variation 308134 (VCV000308134.27), dbSNP rs186720824, ClinGen allele CA6388814.